The following is an entry in ClinVar:

NM_001374623.1(PNPLA1):c.845A>G (p.Glu282Gly)

Gene: PNPLA1 (patatin like domain 1, omega-hydroxyceramide transacylase; plus strand). Cytogenetic location: 6p21.31.
Variant type: single nucleotide variant.
Coding change: c.845A>G on transcript NM_001374623.1 (MANE Select); coding-DNA position 845, A replaced by G.
Protein change: p.Glu282Gly; replaces glutamic acid 282 with glycine.
Molecular consequence: missense variant.
Genome position (GRCh38, 1-based): chr6:36,301,930, A>G. VCF-style: chr6-36301930-A-G. GRCh37 (hg19) VCF-style: chr6-36269707-A-G.
Other names: c.587A>G, p.Glu196Gly (NM_001145716.2); c.845A>G, p.Glu282Gly (NM_001145717.1); c.560A>G, p.Glu187Gly (NM_173676.2); short protein forms E196G, E187G, E282G.
Identifiers: ClinVar variation 906029 (VCV000906029.9), dbSNP rs371888522, ClinGen allele CA3777877.

ClinVar aggregate classification (germline): Uncertain significance. Review status: criteria provided, multiple submitters, no conflicts (2 of 4 stars). 3 submissions from 3 submitters: Uncertain significance (3). Last evaluated 2025-08-11.

Conditions:
Autosomal recessive congenital ichthyosis 10 (ARCI10). Identifiers: Orphanet 79394, MedGen C3554355, MONDO:0014011, OMIM 615024.
Inborn genetic diseases. Identifiers: MedGen C0950123, MeSH D030342.

Allele frequency attached by ClinVar (database versions not stated): gnomAD 0.00021; ESP Exome Variant Server 0.00023; ExAC 0.00012; gnomAD exomes 0.00012 and 0.00017; TOPMed 0.00012.
gnomAD v4.1: 275 of 1,614,066 alleles (0.017%); highest among the groups gnomAD compares: Non-Finnish European, 0.022%; no homozygotes.

Submissions (3):

Ambry Genetics
Classification: Uncertain significance for Inborn genetic diseases. Last evaluated: 2025-08-11. Review status: criteria provided, single submitter. Criteria: Ambry Variant Classification Scheme 2023. Collection method: clinical testing. Allele origin: germline.

GeneDx
Classification: Uncertain significance. Last evaluated: 2024-12-26. Review status: criteria provided, single submitter. Criteria: GeneDx Variant Classification Process June 2021. Collection method: clinical testing. Allele origin: germline. Affected: yes.
Comment: Has not been previously published as pathogenic or benign to our knowledge; In silico analysis supports that this missense variant does not alter protein structure/function

Illumina Laboratory Services, Illumina
Classification: Uncertain significance for Autosomal recessive congenital ichthyosis 10. Last evaluated: 2018-01-13. Review status: criteria provided, single submitter. Criteria: ICSL Variant Classification Criteria 13 December 2019. Collection method: clinical testing. Allele origin: germline.